The following is an entry in ClinVar:

ClinVar aggregate classification (germline): Uncertain significance (1 of 4 stars; one submission).

Conditions:
Familial adenomatous polyposis 1 (FAP1). Also called: FAMILIAL ADENOMATOUS POLYPOSIS 1, ATTENUATED; POLYPOSIS, ADENOMATOUS INTESTINAL. Identifiers: MedGen C2713442, MONDO:0021056, OMIM 175100. Disease mechanism: loss of function.

Submission:

Labcorp Genetics (formerly Invitae), Labcorp
Classification: Uncertain significance for Familial adenomatous polyposis 1. Last evaluated: 2025-10-01. Review status: criteria provided, single submitter. Criteria: Invitae Variant Classification Sherloc (09022015). Collection method: clinical testing. Allele origin: germline.
Comment: This sequence change replaces glycine, which is neutral and non-polar, with valine, which is neutral and non-polar, at codon 721 of the APC protein (p.Gly721Val). This variant is not present in population databases (gnomAD no frequency). This variant has not been reported in the literature in individuals affected with APC-related conditions. ClinVar contains an entry for this variant (Variation ID: 2043951). Invitae Evidence Modeling of protein sequence and biophysical properties (such as structural, functional, and spatial information, amino acid conservation, physicochemical variation, residue mobility, and thermodynamic stability) indicates that this missense variant is not expected to disrupt APC protein function with a negative predictive value of 95%. Algorithms developed to predict the effect of sequence changes on RNA splicing suggest that this variant may create or strengthen a splice site. In summary, the available evidence is currently insufficient to determine the role of this variant in disease. Therefore, it has been classified as a Variant of Uncertain Significance.

NM_000038.6(APC):c.2162G>T (p.Gly721Val)

Gene: APC (APC regulator of Wnt signaling pathway; plus strand). Cytogenetic location: 5q22.2.
Variant type: single nucleotide variant.
Coding change: c.2162G>T on transcript NM_000038.6 (MANE Select); coding-DNA position 2162, G replaced by T.
Protein change: p.Gly721Val; replaces glycine 721 with valine.
Molecular consequence: missense variant.
Genome position (GRCh38, 1-based): chr5:112,837,756, G>T. VCF-style: chr5-112837756-G-T. GRCh37 (hg19) VCF-style: chr5-112173453-G-T.
Other names: c.2162G>T, p.Gly721Val (NM_001127510.3, NM_001354895.2, NM_001407450.1); c.2108G>T, p.Gly703Val (NM_001127511.3); c.2216G>T, p.Gly739Val (NM_001354896.2, NM_001407447.1, NM_001407448.1 and 1 more transcripts); c.2192G>T, p.Gly731Val (NM_001354897.2); c.2087G>T, p.Gly696Val (NM_001354898.2); c.2078G>T, p.Gly693Val (NM_001354899.2); c.2039G>T, p.Gly680Val (NM_001354900.2); c.1985G>T, p.Gly662Val (NM_001354901.2, NM_001407453.1); and 11 more; short protein forms G561V, G630V, G662V, G696V, G739V, G592V, G693V, G711V.
Identifiers: ClinVar variation 2043951 (VCV002043951.4), dbSNP rs2149862055, ClinGen allele CA16026068.